The following is an entry in ClinVar:

NM_001367624.2(ZNF469):c.11843A>G (p.Lys3948Arg)

Gene: ZNF469 (zinc finger protein 469; plus strand). Cytogenetic location: 16q24.2.
Variant type: single nucleotide variant.
Coding change: c.11843A>G on transcript NM_001367624.2 (MANE Select); coding-DNA position 11843, A replaced by G.
Protein change: p.Lys3948Arg; replaces lysine 3948 with arginine.
Molecular consequence: missense variant.
Genome position (GRCh38, 1-based): chr16:88,439,313, A>G. VCF-style: chr16-88439313-A-G. GRCh37 (hg19) VCF-style: chr16-88505721-A-G.
Other names: NM_001127464.1:c.11759A>G; short protein forms K3948R.
Identifiers: ClinVar variation 1311020 (VCV001311020.2), dbSNP rs2142318551, ClinGen allele CA397131382.

ClinVar aggregate classification (germline): Uncertain significance (1 of 4 stars; one submission).

Allele frequency attached by ClinVar (database versions not stated): gnomAD exomes below 0.00001.
gnomAD v4.1: 1 of 1,550,358 alleles (0.000065%); highest among the groups gnomAD compares: Non-Finnish European, 0.000087%; no homozygotes.

Submission:

GeneDx
Classification: Uncertain significance. Last evaluated: 2019-12-10. Review status: criteria provided, single submitter. Criteria: GeneDx Variant Classification Process June 2021. Collection method: clinical testing. Allele origin: germline. Affected: yes.
Comment: Not observed in large population cohorts (Lek et al., 2016); In silico analysis, which includes protein predictors and evolutionary conservation, supports that this variant does not alter protein structure/function; Has not been previously published as pathogenic or benign to our knowledge